The following is an entry in ClinVar:

NM_001171.6(ABCC6):c.2855TCCTCT[1] (p.952FL[1])

Gene: ABCC6 (ATP binding cassette subfamily C member 6; minus strand). Cytogenetic location: 16p13.11.
Variant type: Microsatellite.
Coding change: c.2855TCCTCT[1] on transcript NM_001171.6 (MANE Select); one copy of the 6-base unit TCCTCT starting at c.2855; the reference has two copies in a row; one copy, 6 bases deleted; also written c.2861_2866del.
Protein change: p.952FL[1].
Molecular consequence: inframe deletion. On other transcripts: non-coding transcript variant (1).
Genome position (GRCh38, 1-based): chr16:16,169,775-16,169,780, AGAGGA deleted on the plus strand (TCCTCT on the coding strand, the reverse complement: ABCC6 is on the minus strand); deleting any 6 consecutive bases within chr16:16,169,775-16,169,790 gives the same sequence; the position shown is the placement nearest the transcript's 3' end. VCF-style (leftmost placement, unchanged base first): chr16-16169774-CAGAGGA-C. GRCh37 (hg19) VCF-style: chr16-16263631-CAGAGGA-C.
Other names: ABCC6_00414;c.2861_2866del6; c.2513TCCTCT[1], p.838FL[1] (NM_001351800.1); c.2861_2866del (NM_001171.6, NM_001171.5); c.2861_2866delTCCTCT (NM_001171.5).
Identifiers: ClinVar variation 265019 (VCV000265019.13), dbSNP rs767359198, ClinGen allele CA7925762.

ClinVar aggregate classification (germline): Likely pathogenic. Review status: criteria provided, multiple submitters, no conflicts (2 of 4 stars). 7 submissions from 7 submitters: Likely pathogenic (6). 1 of the submissions does not count toward it. Last evaluated 2025-12-15.

Conditions:
ABCC6-related disorder. Also called: ABCC6-related condition.
Arterial calcification, generalized, of infancy, 2. Identifiers: Orphanet 51608, MedGen C3276161, MONDO:0013768, OMIM 614473.
Autosomal recessive inherited pseudoxanthoma elasticum (PXE). Identifiers: Orphanet 758, MedGen CN032334, MONDO:0009925, OMIM 264800.
Pseudoxanthoma elasticum, forme fruste. Also called: Pseudoxanthoma Elasticum, Incomplete; PSEUDOXANTHOMA ELASTICUM, HETEROZYGOUS. Identifiers: Orphanet 758, MedGen C1867450, MONDO:0008333, OMIM 177850.

Submissions (7):

Labcorp Genetics (formerly Invitae), Labcorp
Classification: Likely pathogenic. Last evaluated: 2025-12-15. Review status: criteria provided, single submitter. Criteria: Invitae Variant Classification Sherloc (09022015). Collection method: clinical testing. Allele origin: germline.
Comment: This variant, c.2861_2866del, results in the deletion of 2 amino acid(s) of the ABCC6 protein (p.Phe954_Leu955del), but otherwise preserves the integrity of the reading frame. This variant is present in population databases (rs767359198, gnomAD 0.02%). This variant has been observed in individual(s) with pseudoxanthoma elasticum or generalized arterial calcification of infancy (PMID: 25264593, 33005041). In at least one individual the data is consistent with being in trans (on the opposite chromosome) from a pathogenic variant. ClinVar contains an entry for this variant (Variation ID: 265019). In summary, the currently available evidence indicates that the variant is pathogenic, but additional data are needed to prove that conclusively. Therefore, this variant has been classified as Likely Pathogenic.

PreventionGenetics, part of Exact Sciences
Classification: Likely pathogenic for ABCC6-related condition. Last evaluated: 2025-10-02. Review status: criteria provided, single submitter. Criteria: ACMG Guidelines, 2015. Collection method: clinical testing. Allele origin: germline.
Comment: The ABCC6 c.2861_2866del6 variant is predicted to result in an in-frame deletion (p.Phe954_Leu955del). This variant has been reported along with an ABCC6 missense variant in three individuals with pseudoxanthoma elasticum (Hosen et al. 2015. PubMed ID: 25264593). This variant has also been reported along with an ABCC6 multi-exon deletion in an individual with generalized arterial calcification of infancy (Ferreira et al. 2020. PubMed ID: 33005041). This variant is present in 0.023% of alleles in individuals of African descent in gnomAD. This variant is interpreted as likely pathogenic.

Revvity Omics, Revvity
Classification: Likely pathogenic. Last evaluated: 2025-03-29. Review status: criteria provided, single submitter. Criteria: ACMG Guidelines, 2015. Collection method: clinical testing. Allele origin: germline.

Fulgent Genetics
Classification: Likely pathogenic for Pseudoxanthoma elasticum, forme fruste; Autosomal recessive inherited pseudoxanthoma elasticum; Arterial calcification, generalized, of infancy, 2. Last evaluated: 2024-02-17. Review status: criteria provided, single submitter. Criteria: ACMG Guidelines, 2015. Collection method: clinical testing. Allele origin: germline.

Blueprint Genetics
Classification: Likely pathogenic for ABCC6-related disorders. Last evaluated: 2023-12-14. Review status: criteria provided, single submitter. Criteria: ACMG Guidelines, 2015. Collection method: clinical testing. Allele origin: germline. Affected: yes. Observed: 3 variant alleles.

GeneDx
Classification: Likely pathogenic. Last evaluated: 2018-03-23. Review status: criteria provided, single submitter. Criteria: GeneDx Variant Classification (06012015). Collection method: clinical testing. Allele origin: germline. Affected: yes.
Comment: The c.2861_2866delTCCTCT variant has been published previously in three patients who were also heterozygous for the R518Q variant in the ABCC6 gene (Hosen et al., 2015). It was not observed in approximately 6,400 individuals of European and African American ancestry in the NHLBI Exome Sequencing Project, indicating it is not a common benign variant in these populations. This deletion causes the loss of two conserved residues, Phenylalanine 954 and Leucine 955, in a conserved transmembrane domain. In summary, the c.2861_2866delTCCTCT variant is a strong candidate for a disease-causing variant.

PXE International
Classification: Uncertain significance for Autosomal recessive inherited pseudoxanthoma elasticum. Last evaluated: 2021-03-01. Review status: no assertion criteria provided. Collection method: research. Allele origin: germline. Inheritance: Autosomal recessive inheritance. Affected: yes. Observed: 1 variant allele. Not counted in ClinVar's aggregate classification.

Literature cited by the submitters: PubMed 25264593 (cited by Labcorp Genetics (formerly Invitae), Labcorp and PXE International); PubMed 33005041 (cited by Labcorp Genetics (formerly Invitae), Labcorp).